The following is an entry in ClinVar:

NM_004370.6(COL12A1):c.8777T>C (p.Met2926Thr)

Gene: COL12A1 (collagen type XII alpha 1 chain; minus strand). Cytogenetic location: 6q13.
Variant type: single nucleotide variant.
Coding change: c.8777T>C on transcript NM_004370.6 (MANE Select); coding-DNA position 8777, T replaced by C.
Protein change: p.Met2926Thr; replaces methionine 2926 with threonine.
Molecular consequence: missense variant.
Genome position (GRCh38, 1-based): chr6:75,090,274, A>G on the plus strand (T>C on the coding strand, the complement: COL12A1 is on the minus strand). VCF-style: chr6-75090274-A-G. GRCh37 (hg19) VCF-style: chr6-75799990-A-G.
Other names: c.5285T>C, p.Met1762Thr (NM_080645.3); short protein forms M1762T, M2926T.
Identifiers: ClinVar variation 1720959 (VCV001720959.6), dbSNP rs2533032281, ClinGen allele CA364735404.

ClinVar aggregate classification (germline): Uncertain significance (1 of 4 stars; one submission).

Conditions:
Ullrich congenital muscular dystrophy 2 (UCMD2). Identifiers: Orphanet 75840, MedGen C4225314, MONDO:0014654, OMIM 616470.
Bethlem myopathy 2 (BTHLM2). Identifiers: Orphanet 536516, Orphanet 610, MedGen C4225313, MONDO:0034022, OMIM 616471.

Submission:

Labcorp Genetics (formerly Invitae), Labcorp
Classification: Uncertain significance for Bethlem myopathy 2; Ullrich congenital muscular dystrophy 2. Last evaluated: 2022-10-04. Review status: criteria provided, single submitter. Criteria: Invitae Variant Classification Sherloc (09022015). Collection method: clinical testing. Allele origin: germline.
Comment: This variant has not been reported in the literature in individuals affected with COL12A1-related conditions. This variant is not present in population databases (gnomAD no frequency). This sequence change replaces methionine, which is neutral and non-polar, with threonine, which is neutral and polar, at codon 2926 of the COL12A1 protein (p.Met2926Thr). In summary, the available evidence is currently insufficient to determine the role of this variant in disease. Therefore, it has been classified as a Variant of Uncertain Significance. Algorithms developed to predict the effect of missense changes on protein structure and function are either unavailable or do not agree on the potential impact of this missense change (SIFT: "Deleterious"; PolyPhen-2: "Benign"; Align-GVGD: "Class C0").